The following is an entry in ClinVar:

NM_152564.5(VPS13B):c.11362G>A (p.Ala3788Thr)

Gene: VPS13B (vacuolar protein sorting 13 homolog B; plus strand). Cytogenetic location: 8q22.2.
Variant type: single nucleotide variant.
Coding change: c.11362G>A on transcript NM_152564.5 (MANE Select); coding-DNA position 11362, G replaced by A.
Protein change: p.Ala3788Thr; replaces alanine 3788 with threonine.
Molecular consequence: missense variant.
Genome position (GRCh38, 1-based): chr8:99,868,435, G>A. VCF-style: chr8-99868435-G-A. GRCh37 (hg19) VCF-style: chr8-100880663-G-A.
Other names: c.11437G>A, p.Ala3813Thr (NM_017890.5); short protein forms A3813T, A3788T.
Identifiers: ClinVar variation 2180859 (VCV002180859.1), dbSNP rs780860991, ClinGen allele CA4825214.
Genomic context (GRCh38, chr8:99,868,435, plus strand): 5'-GGTGTCATCTCGGGTGTGGGGAAAGGAATCATGGGGGTGTTCACAAAGCCCATCGGAGGA[G>A]CTGCTGAGCTGGTGTCACAGACTGGCTATGGTAAGTCGGTGGAAAACCCATCAGGCCAAC-3'
Protein context (NP_689777.3, residues 3778-3798): MGVFTKPIGG[Ala3788Thr]AELVSQTGYG

ClinVar aggregate classification (germline): Uncertain significance (1 of 4 stars; one submission).

Conditions:
Cohen syndrome (COH1). Also called: PEPPER SYNDROME; Cutis verticis gyrata, retinitis pigmentosa, and sensorineural deafness. Identifiers: Orphanet 193, MedGen C0265223, MONDO:0008999, OMIM 216550.

Allele frequency attached by ClinVar (database versions not stated): TOPMed below 0.00001; gnomAD 0.00002; gnomAD exomes 0.00002; ExAC 0.00005.
gnomAD v4.1: 35 of 1,613,488 alleles (0.0022%); highest among the groups gnomAD compares: South Asian, 0.033%; no homozygotes.

Submission:

Labcorp Genetics (formerly Invitae), Labcorp
Classification: Uncertain significance for Cohen syndrome. Last evaluated: 2022-02-23. Review status: criteria provided, single submitter. Criteria: Invitae Variant Classification Sherloc (09022015). Collection method: clinical testing. Allele origin: germline.
Comment: This sequence change replaces alanine, which is neutral and non-polar, with threonine, which is neutral and polar, at codon 3813 of the VPS13B protein (p.Ala3813Thr). This variant is present in population databases (rs780860991, gnomAD 0.03%). This variant has not been reported in the literature in individuals affected with VPS13B-related conditions. Algorithms developed to predict the effect of missense changes on protein structure and function are either unavailable or do not agree on the potential impact of this missense change (SIFT: "Not Available"; PolyPhen-2: "Possibly Damaging"; Align-GVGD: "Not Available"). In summary, the available evidence is currently insufficient to determine the role of this variant in disease. Therefore, it has been classified as a Variant of Uncertain Significance.